The following is an entry in ClinVar:

ClinVar aggregate classification (germline): Likely benign. Review status: criteria provided, multiple submitters, no conflicts (2 of 4 stars). 3 submissions from 3 submitters: Likely benign (3). Last evaluated 2024-09-14.

Conditions:
Bethlem myopathy 1A. Also called: Bethlem Muscular Dystrophy; MYOPATHY, BENIGN CONGENITAL, WITH CONTRACTURES; Bethlem myopathy 1. Identifiers: Orphanet 610, MedGen CN029274, MONDO:0024530, OMIM 158810.

Allele frequency attached by ClinVar (database versions not stated): gnomAD 0.00001; gnomAD exomes 0.00001; TOPMed 0.00001.
gnomAD v4.1: 4 of 1,612,982 alleles (0.00025%); highest among the groups gnomAD compares: South Asian, 0.0011%; no homozygotes.

Submissions (3):

Labcorp Genetics (formerly Invitae), Labcorp
Classification: Likely benign for Bethlem myopathy 1A. Last evaluated: 2024-09-14. Review status: criteria provided, single submitter. Criteria: Invitae Variant Classification Sherloc (09022015). Collection method: clinical testing. Allele origin: germline.

Blueprint Genetics
Classification: Likely benign. Last evaluated: 2024-05-03. Review status: criteria provided, single submitter. Criteria: ACMG Guidelines, 2015. Collection method: clinical testing. Allele origin: germline.

Women's Health and Genetics/Laboratory Corporation of America, LabCorp
Classification: Likely benign. Last evaluated: 2023-12-07. Review status: criteria provided, single submitter. Criteria: LabCorp Variant Classification Summary - May 2015. Collection method: clinical testing. Allele origin: germline.
Comment: Variant summary: COL6A2 c.955-19C>T alters a non-conserved nucleotide located at a position not widely known to affect splicing. Consensus agreement among computation tools predict no significant impact on normal splicing. However, these predictions have yet to be confirmed by functional studies. The variant was absent in 250264 control chromosomes. The available data on variant occurrences in the general population are insufficient to allow any conclusion about variant significance. To our knowledge, no occurrence of c.955-19C>T in individuals affected with Collagen Type VI-Related Disorders and no experimental evidence demonstrating its impact on protein function have been reported. One submitter has cited clinical-significance assessments for this variant to ClinVar after 2014 and has classified the variant as likely benign. Based on the evidence outlined above, the variant was classified as likely benign.

NM_001849.4(COL6A2):c.955-19C>T

Gene: COL6A2 (collagen type VI alpha 2 chain; plus strand). Cytogenetic location: 21q22.3.
Variant type: single nucleotide variant.
Coding change: c.955-19C>T on transcript NM_001849.4 (MANE Select); 19 bases into the intron before coding-DNA position 955, C replaced by T.
Molecular consequence: intron variant.
Genome position (GRCh38, 1-based): chr21:46,116,751, C>T. VCF-style: chr21-46116751-C-T. GRCh37 (hg19) VCF-style: chr21-47536665-C-T.
Other names: c.955-19C>T (NM_058175.3, NM_058174.3).
Identifiers: ClinVar variation 2067326 (VCV002067326.6), dbSNP rs1266261540, ClinGen allele CA512727458.